The following is an entry in ClinVar:

ClinVar aggregate classification (germline): Likely benign (1 of 4 stars; one submission).

Submission:

GeneDx
Classification: Likely benign. Last evaluated: 2016-12-29. Review status: criteria provided, single submitter. Criteria: GeneDx Variant Classification (06012015). Collection method: clinical testing. Allele origin: germline. Affected: yes.
Comment: This variant is considered likely benign or benign based on one or more of the following criteria: it is a conservative change, it occurs at a poorly conserved position in the protein, it is predicted to be benign by multiple in silico algorithms, and/or has population frequency not consistent with disease.

NM_032043.3(BRIP1):c.94-20A>G

Gene: BRIP1 (BRCA1 interacting helicase 1; minus strand). Cytogenetic location: 17q23.2.
Variant type: single nucleotide variant.
Coding change: c.94-20A>G on transcript NM_032043.3 (MANE Select); 20 bases into the intron before coding-DNA position 94, A replaced by G.
Molecular consequence: intron variant.
Genome position (GRCh38, 1-based): chr17:61,859,927, T>C on the plus strand (A>G on the coding strand, the complement: BRIP1 is on the minus strand). VCF-style: chr17-61859927-T-C. GRCh37 (hg19) VCF-style: chr17-59937288-T-C.
Identifiers: ClinVar variation 392423 (VCV000392423.1), dbSNP rs1057524484, ClinGen allele CA16607759.
Genomic context (GRCh38, chr17:61,859,927, plus strand): 5'-TCCAACAAACAATGTTGCTTGCTGTTTAATCCTCTGAGAATCTATGAACACAGAAACCAA[T>C]GAAAATAATAAACATATTAACTTTATAAAGGTCTCTCTCCATCTGAAGTTTAAATAGAAC-3'